The following is an entry in ClinVar:

NM_014982.3(PCNX1):c.5220G>A (p.Pro1740=)

Genes: PCNX1 (pecanex 1; plus strand), LOC126861988 (MED14-independent group 3 enhancer GRCh37_chr14:71542720-71543919; plus strand). Cytogenetic location: 14q24.2.
Variant type: single nucleotide variant.
Coding change: c.5220G>A on transcript NM_014982.3 (MANE Select); coding-DNA position 5220, G replaced by A.
Protein change: p.Pro1740=; no amino-acid change (proline 1740 retained).
Molecular consequence: synonymous variant.
Genome position (GRCh38, 1-based): chr14:71,076,302, G>A. VCF-style: chr14-71076302-G-A. GRCh37 (hg19) VCF-style: chr14-71543019-G-A.
Other names: c.4887G>A, p.Pro1629= (NM_001308160.2).
Identifiers: ClinVar variation 4280857 (VCV004280857.7).
Genomic context (GRCh38, chr14:71,076,302, plus strand): 5'-TGAGACAATGCAGGAAGGACTTCGTCTGTGTGCTGATCGCAATTATGTCGATGTGGACCC[G>A]ACCTTTAATCCAAACATTGATGAAGACTATGACCACCGACTGGCAGGCATATCTAGGGAG-3'
Protein context (NP_055797.2, residues 1730-1750): CADRNYVDVD[Pro1740=]TFNPNIDEDY

ClinVar aggregate classification (germline): Likely benign (1 of 4 stars; one submission).

gnomAD v4.1: 19 of 1,613,764 alleles (0.0012%); highest among the groups gnomAD compares: East Asian, 0.013%; no homozygotes.

Submission:

CeGaT Center for Human Genetics Tuebingen
Classification: Likely benign. Last evaluated: 2025-09-01. Review status: criteria provided, single submitter. Criteria: CeGaT Center For Human Genetics Tuebingen Variant Classification Criteria Version 2. Collection method: clinical testing. Allele origin: germline. Affected: yes. Observed: 1 variant allele.
Comment: PCNX1: BP4, BP7